The following is an entry in ClinVar:

ClinVar aggregate classification (germline): Benign. Review status: reviewed by expert panel (3 of 4 stars). 24 submissions from 21 submitters: Benign (1). 23 of the submissions do not count toward it. Last evaluated 2025-11-11.

Conditions:
Myosin storage myopathy (CMYO7A). Also called: MYH7-related late-onset scapuloperoneal muscular dystrophy; Congenital myopathy 7A, myosin storage, autosomal dominant; Scapuloperoneal myopathy, MYH7-related; MYOPATHY WITH LYSIS OF TYPE I MYOFIBRILS; SCAPULOPERONEAL MUSCULAR DYSTROPHY; SCAPULOPERONEAL SYNDROME, MYOPATHIC TYPE. Identifiers: Orphanet 437572, Orphanet 636965, MedGen C1842160, MONDO:0008409, OMIM 608358.
Cardiovascular phenotype. Identifiers: MedGen CN230736.
Cardiomyopathy (CMYO). Also called: Cardiomyopathies. Identifiers: Orphanet 167848, MedGen C0878544, MONDO:0004994, HP:0001638. Inheritance: Various modes of inheritance.
MYH7-related skeletal myopathy. Also called: Laing early-onset distal myopathy; MYOPATHY, DISTAL, EARLY-ONSET, AUTOSOMAL DOMINANT; MYOPATHY, LATE DISTAL HEREDITARY; Myopathy, distal, 1; Laing distal myopathy. Identifiers: Orphanet 59135, MedGen C4552004, MONDO:0008050, OMIM 160500.
Hypertrophic cardiomyopathy 1 (CMH1). Also called: Familial hypertrophic cardiomyopathy 1; MYH7-Related Familial Hypertrophic Cardiomyopathy. Identifiers: MedGen C3495498, MONDO:0008647, OMIM 192600.
Dilated cardiomyopathy 1S (CMD1S). Identifiers: Orphanet 154, Orphanet 54260, MedGen C1834481, MONDO:0013262, OMIM 613426.
Hypertrophic cardiomyopathy. Also called: HYPERTROPHIC MYOCARDIOPATHY. Identifiers: Orphanet 217569, MedGen C0007194, MeSH D002312, MONDO:0005045, HP:0001639.

Allele frequency attached by ClinVar (database versions not stated): gnomAD exomes 0.16384 and 0.17503; ExAC 0.18365; 1000 Genomes Project 0.26378; gnomAD 0.26492 and 0.27385; 1000 Genomes Project 30x 0.26562; TOPMed 0.27938; ESP Exome Variant Server 0.28894.
gnomAD v4.1: 281,333 of 1,614,106 alleles (17%); highest among the groups gnomAD compares: African/African-American, 55%; 31,146 homozygotes.

Submissions (24):

ClinGen Cardiomyopathy Variant Curation Expert Panel
Classification: Benign for Hypertrophic cardiomyopathy. Last evaluated: 2025-11-11. Review status: reviewed by expert panel. Criteria: ClinGen CMP ACMG Specifications v1. Collection method: curation. Allele origin: germline. Inheritance: Autosomal dominant inheritance.
Comment: The filtering allele frequency of the c.732C>T (p.Phe244=) variant in the MYH7 gene is 53.63% (5704/10406) of African chromosomes by the Exome Aggregation Consortium, which is a high enough frequency to be classified as benign based on thresholds defined by the ClinGen Inherited Cardiomyopathy Expert Panel (BA1; PMID:29300372).

Molecular Diagnostic Laboratory for Inherited Cardiovascular Disease, Montreal Heart Institute
Classification: Benign. Last evaluated: 2026-03-27. Review status: criteria provided, single submitter. Criteria: ACMG Guidelines, 2015. Collection method: clinical testing. Allele origin: germline. Affected: no. Not counted in ClinVar's aggregate classification.

Labcorp Genetics (formerly Invitae), Labcorp
Classification: Benign for Hypertrophic cardiomyopathy. Last evaluated: 2026-02-04. Review status: criteria provided, single submitter. Criteria: Invitae Variant Classification Sherloc (09022015). Collection method: clinical testing. Allele origin: germline. Not counted in ClinVar's aggregate classification.

ARUP Laboratories, Molecular Genetics and Genomics, ARUP Laboratories
Classification: Benign. Last evaluated: 2025-07-28. Review status: criteria provided, single submitter. Criteria: ARUP Molecular Germline Variant Investigation Process 2024. Collection method: clinical testing. Allele origin: germline. Not counted in ClinVar's aggregate classification.

Blueprint Genetics
Classification: Benign. Last evaluated: 2024-11-27. Review status: criteria provided, single submitter. Criteria: ACMG Guidelines, 2015. Collection method: clinical testing. Allele origin: germline. Not counted in ClinVar's aggregate classification.

Cohesion Phenomics
Classification: Benign for Cardiomyopathy. Last evaluated: 2022-10-10. Review status: criteria provided, single submitter. Criteria: ACMG Guidelines, 2015. Collection method: clinical testing. Allele origin: germline. Affected: yes. Not counted in ClinVar's aggregate classification.

Color Diagnostics, LLC DBA Color Health
Classification: Benign for Cardiomyopathy. Last evaluated: 2018-03-09. Review status: criteria provided, single submitter. Criteria: ACMG Guidelines, 2015. Collection method: clinical testing. Allele origin: germline. Not counted in ClinVar's aggregate classification.

Illumina Laboratory Services, Illumina
Classification: Benign for Myosin storage myopathy. Last evaluated: 2018-01-13. Review status: criteria provided, single submitter. Criteria: ICSL Variant Classification Criteria 13 December 2019. Collection method: clinical testing. Allele origin: germline. Not counted in ClinVar's aggregate classification.
Comment: This variant was observed in the ICSL laboratory as part of a predisposition screen in an ostensibly healthy population. It had not been previously curated by ICSL or reported in the Human Gene Mutation Database (HGMD: prior to June 1st, 2018), and was therefore a candidate for classification through an automated scoring system. Utilizing variant allele frequency, disease prevalence and penetrance estimates, and inheritance mode, an automated score was calculated to assess if this variant is too frequent to cause the disease. Based on the score and internal cut-off values, a variant classified as benign is not then subjected to further curation. The score for this variant resulted in a classification of benign for this disease.

Illumina Laboratory Services, Illumina
Classification: Benign for Dilated cardiomyopathy 1S. Last evaluated: 2018-01-13. Review status: criteria provided, single submitter. Criteria: ICSL Variant Classification Criteria 13 December 2019. Collection method: clinical testing. Allele origin: germline. Not counted in ClinVar's aggregate classification.
Comment: the same text as in the submission from Illumina Laboratory Services, Illumina above.

Illumina Laboratory Services, Illumina
Classification: Benign for MYH7-related skeletal myopathy. Last evaluated: 2018-01-13. Review status: criteria provided, single submitter. Criteria: ICSL Variant Classification Criteria 13 December 2019. Collection method: clinical testing. Allele origin: germline. Not counted in ClinVar's aggregate classification.
Comment: the same text as in the submission from Illumina Laboratory Services, Illumina above.

Illumina Laboratory Services, Illumina
Classification: Benign for Hypertrophic cardiomyopathy 1. Last evaluated: 2018-01-13. Review status: criteria provided, single submitter. Criteria: ICSL Variant Classification Criteria 13 December 2019. Collection method: clinical testing. Allele origin: germline. Not counted in ClinVar's aggregate classification.
Comment: the same text as in the submission from Illumina Laboratory Services, Illumina above.

Mayo Clinic Laboratories, Mayo Clinic
Classification: Benign. Last evaluated: 2017-12-04. Review status: criteria provided, single submitter. Criteria: ACMG Guidelines, 2015. Collection method: clinical testing. Allele origin: germline. Observed: 917 variant alleles. Not counted in ClinVar's aggregate classification.

Ambry Genetics
Classification: Benign for Cardiovascular phenotype. Last evaluated: 2015-06-16. Review status: criteria provided, single submitter. Criteria: Ambry Variant Classification Scheme 2023. Collection method: clinical testing. Allele origin: germline. Not counted in ClinVar's aggregate classification.

Genetic Services Laboratory, University of Chicago
Classification: Benign for AllHighlyPenetrant. Last evaluated: 2013-08-15. Review status: criteria provided, single submitter. Criteria: ACMG Guidelines, 2007. Collection method: clinical testing. Allele origin: germline. Inheritance: Autosomal dominant inheritance. Not counted in ClinVar's aggregate classification.

GeneDx
Classification: Benign. Last evaluated: 2012-09-25. Review status: criteria provided, single submitter. Criteria: GeneDx Variant Classification (06012015). Collection method: clinical testing. Allele origin: germline. Affected: yes. Not counted in ClinVar's aggregate classification.
Comment: This variant is considered likely benign or benign based on one or more of the following criteria: it is a conservative change, it occurs at a poorly conserved position in the protein, it is predicted to be benign by multiple in silico algorithms, and/or has population frequency not consistent with disease.

Laboratory for Molecular Medicine, Mass General Brigham Personalized Medicine
Classification: Benign. Last evaluated: 2008-01-18. Review status: criteria provided, single submitter. Criteria: LMM Criteria. Collection method: clinical testing. Allele origin: germline. Observed: 1,794 variant alleles. Not counted in ClinVar's aggregate classification.

Breakthrough Genomics
Classification: Benign. Review status: criteria provided, single submitter. Criteria: ACMG Guidelines, 2015. Collection method: not provided. Allele origin: germline. Inheritance: Autosomal recessive inheritance. Affected: yes. Not counted in ClinVar's aggregate classification.

PreventionGenetics, part of Exact Sciences
Classification: Benign. Review status: criteria provided, single submitter. Criteria: ACMG Guidelines, 2015. Collection method: clinical testing. Allele origin: germline. Not counted in ClinVar's aggregate classification.

Clinical Genetics DNA and cytogenetics Diagnostics Lab, Erasmus MC, Erasmus Medical Center
Classification: Benign. Review status: no assertion criteria provided. Collection method: clinical testing. Allele origin: germline. Affected: yes. Study: VKGL Data-share Consensus. Not counted in ClinVar's aggregate classification.

Clinical Genetics, Academic Medical Center
Classification: Benign. Review status: no assertion criteria provided. Collection method: clinical testing. Allele origin: germline. Affected: yes. Study: VKGL Data-share Consensus. Not counted in ClinVar's aggregate classification.

Department of Pathology and Laboratory Medicine, Sinai Health System
Classification: Uncertain significance. Review status: no assertion criteria provided. Collection method: clinical testing. Allele origin: unknown. Affected: yes. Study: The Canadian Open Genetics Repository (COGR). Not counted in ClinVar's aggregate classification.
Comment: 13 reputable source/s reports the variant as benign, but the evidence is not available to the laboratory to perform an independent evaluation. Allele frequency is common in at least one population database (frequency: 54.866% in gnomAD_Exomes) based on the frequency threshold of 0.637% for this gene. Variant was observed in a homozygous state in population databases more than expected for disease.

Diagnostic Laboratory, Department of Genetics, University Medical Center Groningen
Classification: Benign. Review status: no assertion criteria provided. Collection method: clinical testing. Allele origin: germline. Affected: yes. Study: VKGL Data-share Consensus. Not counted in ClinVar's aggregate classification.

Genome Diagnostics Laboratory, University Medical Center Utrecht
Classification: Benign. Review status: no assertion criteria provided. Collection method: clinical testing. Allele origin: germline. Affected: yes. Study: VKGL Data-share Consensus. Not counted in ClinVar's aggregate classification.

Joint Genome Diagnostic Labs from Nijmegen and Maastricht, Radboudumc and MUMC+
Classification: Benign. Review status: no assertion criteria provided. Collection method: clinical testing. Allele origin: germline. Affected: yes. Study: VKGL Data-share Consensus. Not counted in ClinVar's aggregate classification.

Literature cited by the submitters: PubMed 29300372 (cited by ClinGen Cardiomyopathy Variant Curation Expert Panel).

NM_000257.4(MYH7):c.732C>T (p.Phe244=)

Gene: MYH7 (myosin heavy chain 7; minus strand). Cytogenetic location: 14q11.2.
Variant type: single nucleotide variant.
Coding change: c.732C>T on transcript NM_000257.4 (MANE Select); coding-DNA position 732, C replaced by T.
Protein change: p.Phe244=; no amino-acid change (phenylalanine 244 retained).
Molecular consequence: synonymous variant.
Genome position (GRCh38, 1-based): chr14:23,431,585, G>A on the plus strand (C>T on the coding strand, the complement: MYH7 is on the minus strand). VCF-style: chr14-23431585-G-A. GRCh37 (hg19) VCF-style: chr14-23900794-G-A.
Other names: p.F244F:TTC>TTT; NM_000257.3(MYH7):c.732C>T.
Identifiers: ClinVar variation 43103 (VCV000043103.58), dbSNP rs2069542, ClinGen allele CA016723.